The following is an entry in ClinVar:

ClinVar aggregate classification (germline): Uncertain significance (1 of 4 stars; one submission).

Conditions:
Epidermolysis bullosa simplex, Koebner type. Identifiers: Orphanet 79399, MedGen C5561924, MONDO:0007554, OMIM 131900.

Submission:

Neuberg Centre For Genomic Medicine, NCGM
Classification: Uncertain significance for Epidermolysis bullosa simplex, Koebner type. Review status: criteria provided, single submitter. Criteria: ACMG Guidelines, 2015. Collection method: clinical testing. Allele origin: germline. Affected: yes.
Comment: The missense variant p.R125S in KRT14 (NM_000526.5) causes a change at the same amino acid residue as a previously established pathogenic variant R125H. The p.R125S variant is novel (not in any individuals) in gnomAD Exomes and is novel (not in any individuals) in 1000 Genomes. The p.R125S missense variant is predicted to be damaging by both SIFT and PolyPhen2. The arginine residue at codon 125 of KRT14 is conserved in all mammalian species. The nucleotide c.373 in KRT14 is predicted conserved by GERP++ and PhyloP across 100 vertebrates. For these reasons, this variant has been classified as Uncertain Significance.

NM_000526.5(KRT14):c.373C>A (p.Arg125Ser)

Gene: KRT14 (keratin 14; minus strand). Cytogenetic location: 17q21.2.
Variant type: single nucleotide variant.
Coding change: c.373C>A on transcript NM_000526.5 (MANE Select); coding-DNA position 373, C replaced by A.
Protein change: p.Arg125Ser; replaces arginine 125 with serine.
Molecular consequence: missense variant.
Genome position (GRCh38, 1-based): chr17:41,586,462, G>T on the plus strand (C>A on the coding strand, the complement: KRT14 is on the minus strand). VCF-style: chr17-41586462-G-T. GRCh37 (hg19) VCF-style: chr17-39742714-G-T.
Other names: short protein forms R125S.
Identifiers: ClinVar variation 1338973 (VCV001338973.2), dbSNP rs60399023, ClinGen allele CA399482518.